The following is an entry in ClinVar:

NM_000152.5(GAA):c.1136C>T (p.Ser379Phe)

Gene: GAA (alpha glucosidase; plus strand). Cytogenetic location: 17q25.3.
Variant type: single nucleotide variant.
Coding change: c.1136C>T on transcript NM_000152.5 (MANE Select); coding-DNA position 1136, C replaced by T.
Protein change: p.Ser379Phe; replaces serine 379 with phenylalanine.
Molecular consequence: missense variant.
Genome position (GRCh38, 1-based): chr17:80,108,549, C>T. VCF-style: chr17-80108549-C-T. GRCh37 (hg19) VCF-style: chr17-78082348-C-T.
Other names: c.1136C>T, p.Ser379Phe (NM_001079803.3, NM_001079804.3); short protein forms S379F.
Identifiers: ClinVar variation 948944 (VCV000948944.10), dbSNP rs377233099, ClinGen allele CA294892234.

ClinVar aggregate classification (germline): Uncertain significance. Review status: criteria provided, multiple submitters, no conflicts (2 of 4 stars). 3 submissions from 3 submitters: Uncertain significance (2). 1 of the submissions does not count toward it. Last evaluated 2022-10-25.

Conditions:
Glycogen storage disease, type II (IOPD). Also called: Glycogen storage disease type 2; Acid maltase deficiency disease; Aglucosidase alfa; Deficiency of alpha-glucosidase; Deficiency of lysosomal alpha-glucosidase; ACID MALTASE DEFICIENCY, INFANTILE-ONSET. Identifiers: Orphanet 365, MedGen C0017921, MONDO:0009290, OMIM 232300.

Allele frequency attached by ClinVar (database versions not stated): gnomAD 0.00001; TOPMed 0.00001.
gnomAD v4.1: 5 of 1,612,760 alleles (0.00031%); highest among the groups gnomAD compares: Admixed American, 0.0033%; no homozygotes.

Submissions (3):

Labcorp Genetics (formerly Invitae), Labcorp
Classification: Uncertain significance for Glycogen storage disease, type II. Last evaluated: 2022-10-25. Review status: criteria provided, single submitter. Criteria: Invitae Variant Classification Sherloc (09022015). Collection method: clinical testing. Allele origin: germline.
Comment: This sequence change replaces serine, which is neutral and polar, with phenylalanine, which is neutral and non-polar, at codon 379 of the GAA protein (p.Ser379Phe). This variant is present in population databases (no rsID available, gnomAD 0.004%). This variant has not been reported in the literature in individuals affected with GAA-related conditions. ClinVar contains an entry for this variant (Variation ID: 948944). Advanced modeling of protein sequence and biophysical properties (such as structural, functional, and spatial information, amino acid conservation, physicochemical variation, residue mobility, and thermodynamic stability) has been performed at Invitae for this missense variant, however the output from this modeling did not meet the statistical confidence thresholds required to predict the impact of this variant on GAA protein function. In summary, the available evidence is currently insufficient to determine the role of this variant in disease. Therefore, it has been classified as a Variant of Uncertain Significance.

Revvity Omics, Revvity
Classification: Uncertain significance. Last evaluated: 2021-05-06. Review status: criteria provided, single submitter. Criteria: ACMG Guidelines, 2015. Collection method: clinical testing. Allele origin: germline.

Natera, Inc.
Classification: Uncertain significance for Glycogen storage disease type II. Last evaluated: 2021-02-08. Review status: no assertion criteria provided. Collection method: clinical testing. Allele origin: germline. Not counted in ClinVar's aggregate classification.